The following is an entry in ClinVar:

NM_015122.3(FCHO1):c.1442C>A (p.Ser481Tyr)

Gene: FCHO1 (FCH and mu domain containing endocytic adaptor 1; plus strand). Cytogenetic location: 19p13.11.
Variant type: single nucleotide variant.
Coding change: c.1442C>A on transcript NM_015122.3 (MANE Select); coding-DNA position 1442, C replaced by A.
Protein change: p.Ser481Tyr; replaces serine 481 with tyrosine.
Molecular consequence: missense variant. On other transcripts: non-coding transcript variant (14), intron variant (15).
Genome position (GRCh38, 1-based): chr19:17,778,699, C>A. VCF-style: chr19-17778699-C-A. GRCh37 (hg19) VCF-style: chr19-17889508-C-A.
Other names: c.1442C>A, p.Ser481Tyr (NM_001161357.2, NM_001161358.2, NM_001384370.1 and 13 more transcripts); c.1292C>A, p.Ser431Tyr (NM_001161359.2, NM_001384384.1, NM_001384385.1 and 1 more transcripts); c.1403C>A, p.Ser468Tyr (NM_001384388.1, NM_001384389.1, NM_001384405.1); c.1367C>A, p.Ser456Tyr (NM_001384390.1); c.1351+471C>A (NM_001384396.1, NM_001384404.1, NM_001384398.1 and 5 more transcripts); c.1201+471C>A (NM_001384406.1); c.1057+2428C>A (NM_001384407.1); c.1352-27C>A (NM_001384393.1, NM_001384394.1, NM_001384392.1 and 1 more transcripts); and 1 more; short protein forms S481Y, S456Y, S468Y, S431Y.
Identifiers: ClinVar variation 1380635 (VCV001380635.5), dbSNP rs1167640128, ClinGen allele CA404753434.
Genomic context (GRCh38, chr19:17,778,699, plus strand): 5'-CCTCCCCTTTCTCCTCCTCGTCGCCCGAAAACGTGGAGGATTCCGGCCTGGACTCTCCGT[C>A]CCACGCGGCACCTGGCCCCTCCCCAGATTCCTGGGTCCCCCGCCCAGGCACCCCGCAGAG-3'
Protein context (NP_055937.1, residues 471-491): NVEDSGLDSP[Ser481Tyr]HAAPGPSPDS

ClinVar aggregate classification (germline): Uncertain significance (1 of 4 stars; one submission).

Allele frequency attached by ClinVar (database versions not stated): gnomAD 0.00001.
gnomAD v4.1: 5 of 1,553,352 alleles (0.00032%); highest among the groups gnomAD compares: Non-Finnish European, 0.00043%; no homozygotes.

Submission:

Labcorp Genetics (formerly Invitae), Labcorp
Classification: Uncertain significance. Last evaluated: 2021-09-10. Review status: criteria provided, single submitter. Criteria: Invitae Variant Classification Sherloc (09022015). Collection method: clinical testing. Allele origin: germline.
Comment: This sequence change replaces serine with tyrosine at codon 481 of the FCHO1 protein (p.Ser481Tyr). The serine residue is moderately conserved and there is a large physicochemical difference between serine and tyrosine. In summary, the available evidence is currently insufficient to determine the role of this variant in disease. Therefore, it has been classified as a Variant of Uncertain Significance. Algorithms developed to predict the effect of missense changes on protein structure and function are either unavailable or do not agree on the potential impact of this missense change (SIFT: "Tolerated"; PolyPhen-2: "Possibly Damaging"; Align-GVGD: "Class C0"). This variant has not been reported in the literature in individuals affected with FCHO1-related conditions. This variant is not present in population databases (ExAC no frequency).